The following is an entry in ClinVar:

NM_000166.6(GJB1):c.-101C>T

Gene: GJB1 (gap junction protein beta 1; plus strand). Cytogenetic location: Xq13.1.
Variant type: single nucleotide variant.
Coding change: c.-101C>T on transcript NM_000166.6 (MANE Select); 101 bases upstream of the start codon, C replaced by T.
Molecular consequence: 5 prime UTR variant. On other transcripts: intron variant (1).
Genome position (GRCh38, 1-based): chrX:71,223,251, C>T. VCF-style: chrX-71223251-C-T. GRCh37 (hg19) VCF-style: chrX-70443101-C-T.
Other names: c.-16-441C>T (NM_001097642.3).
Identifiers: ClinVar variation 380606 (VCV000380606.5), dbSNP rs961829342, ClinGen allele CA16608577.
Genomic context (GRCh38, chrX:71,223,251, plus strand): 5'-TGGGTATAAAGCAGCATATGACTCCCCAGCACCGGGCGGTGATGAATTGGGACGCAGGCG[C>T]GGAGCCCAGGGACCACTCCCCCTGCACAGACATGAGACCATAGGGGACCTGTCTGGGTGG-3'

ClinVar aggregate classification (germline): Conflicting classifications of pathogenicity. Review status: criteria provided, conflicting classifications (1 of 4 stars). 3 submissions from 3 submitters: Uncertain significance (1); Likely benign (1). 1 of the submissions does not count toward it. Last evaluated 2023-02-28.

Conditions:
GJB1-related disorder. Also called: GJB1-related condition; GJB1-related disorders.

Allele frequency attached by ClinVar (database versions not stated): gnomAD 0.00007 and 0.00008; TOPMed 0.00012.
gnomAD v4.1: 14 of 202,207 alleles (0.0069%); highest among the groups gnomAD compares: Admixed American, 0.026%; no homozygotes.

Submissions (3):

Athena Diagnostics
Classification: Uncertain significance. Last evaluated: 2023-02-28. Review status: criteria provided, single submitter. Criteria: Athena Diagnostics Criteria. Collection method: clinical testing. Allele origin: unknown.
Comment: Available data are insufficient to determine the clinical significance of the variant at this time. The frequency of this variant in the general population is higher than would generally be expected for pathogenic variants in this gene. Computational tools yielded predictions that this variant is unlikely to have an effect on normal RNA splicing.

GeneDx
Classification: Likely benign. Last evaluated: 2016-12-30. Review status: criteria provided, single submitter. Criteria: GeneDx Variant Classification (06012015). Collection method: clinical testing. Allele origin: germline. Affected: yes.
Comment: This variant is considered likely benign or benign based on one or more of the following criteria: it is a conservative change, it occurs at a poorly conserved position in the protein, it is predicted to be benign by multiple in silico algorithms, and/or has population frequency not consistent with disease.

PreventionGenetics, part of Exact Sciences
Classification: Likely benign for GJB1-related condition. Last evaluated: 2019-06-13. Review status: no assertion criteria provided. Collection method: clinical testing. Allele origin: germline. Not counted in ClinVar's aggregate classification.
Comment: This variant is classified as likely benign based on ACMG/AMP sequence variant interpretation guidelines (Richards et al. 2015 PMID: 25741868, with internal and published modifications).

Literature cited by the submitters: PubMed 34089394 (cited by Athena Diagnostics).